The following is an entry in ClinVar:

NM_006445.4(PRPF8):c.1890_1894del (p.Trp630fs)

Gene: PRPF8 (pre-mRNA processing factor 8; minus strand). Cytogenetic location: 17p13.3.
Variant type: Deletion.
Coding change: c.1890_1894del on transcript NM_006445.4 (MANE Select); coding-DNA positions 1890 to 1894, 5 bases deleted (GGCTG; older notation c.1890_1894delGGCTG).
Protein change: p.Trp630fs; shifts the reading frame from tryptophan 630.
Molecular consequence: frameshift variant.
Genome position (GRCh38, 1-based): chr17:1,677,655-1,677,659, CAGCC deleted on the plus strand (GGCTG on the coding strand, the reverse complement: PRPF8 is on the minus strand); deleting any 5 consecutive bases within chr17:1,677,655-1,677,662 gives the same sequence; the c. name uses the placement nearest the transcript's 3' end. VCF-style (leftmost placement, unchanged base first): chr17-1677654-GCAGCC-G. GRCh37 (hg19) VCF-style: chr17-1580948-GCAGCC-G.
Other names: c.1890_1894del (NM_006445.3); c.1890_1894delGGCTG (NM_006445.3); short protein forms W630fs.
Identifiers: ClinVar variation 503864 (VCV000503864.3), dbSNP rs1555553703, ClinGen allele CA658798672.
Genomic context (GRCh38, chr17:1,677,654, plus strand): 5'-AGCCATCGCTCTAATAAAGGGGTAATGCCACGCATGAAAAAGAGCCAGACTCGCCAACCG[GCAGCC>G]CAGAAGCCACAGCCAGGACCCTTCCCTACAGGGCCCTACGATCCCAAGCAGAAGTTAAGA-3'

ClinVar aggregate classification (germline): Uncertain significance (1 of 4 stars; one submission).

Submission:

GeneDx
Classification: Uncertain significance. Last evaluated: 2023-07-26. Review status: criteria provided, single submitter. Criteria: GeneDx Variant Classification Process June 2021. Collection method: clinical testing. Allele origin: germline. Affected: yes.
Comment: Not observed at significant frequency in large population cohorts (gnomAD); Has not been previously published as pathogenic or benign to our knowledge; Frameshift variant predicted to result in protein truncation or nonsense mediated decay in a gene for which loss of function is not an established mechanism of disease